The following is an entry in ClinVar:

NM_012330.4(KAT6B):c.2629+9A>G

Gene: KAT6B (lysine acetyltransferase 6B; plus strand). Cytogenetic location: 10q22.2.
Variant type: single nucleotide variant.
Coding change: c.2629+9A>G on transcript NM_012330.4 (MANE Select); 9 bases into the intron after coding-DNA position 2629, A replaced by G.
Molecular consequence: intron variant.
Genome position (GRCh38, 1-based): chr10:74,989,121, A>G. VCF-style: chr10-74989121-A-G. GRCh37 (hg19) VCF-style: chr10-76748879-A-G.
Other names: c.1753+9A>G (NM_001370139.1, NM_001370140.1, NM_001370141.1 and 2 more transcripts); c.2629+9A>G (NM_001370136.1, NM_001370137.1); c.2080+9A>G (NM_001370138.1, NM_001256468.2); c.940+9A>G (NM_001370133.1); c.544+9A>G (NM_001370134.1); c.1564+9A>G (NM_001370143.1, NM_001370144.1); c.1591+9A>G (NM_001370132.1); c.286+9A>G (NM_001370135.1).
Identifiers: ClinVar variation 2059672 (VCV002059672.4), dbSNP rs745942441, ClinGen allele CA5564625.

ClinVar aggregate classification (germline): Uncertain significance (1 of 4 stars; one submission).

Conditions:
Genitopatellar syndrome (GTPTS). Also called: Genitopatellar syndrome (GPS); ABSENT PATELLAE, SCROTAL HYPOPLASIA, RENAL ANOMALIES, FACIAL DYSMORPHISM, AND MENTAL RETARDATION. Identifiers: Orphanet 85201, MedGen C1853566, MONDO:0011640, OMIM 606170.

Allele frequency attached by ClinVar (database versions not stated): gnomAD 0.00001; TOPMed 0.00002; gnomAD exomes 0.00004; ExAC 0.00006.
gnomAD v4.1: 19 of 1,590,876 alleles (0.0012%); highest among the groups gnomAD compares: Middle Eastern, 0.017%; no homozygotes.

Submission:

Labcorp Genetics (formerly Invitae), Labcorp
Classification: Uncertain significance for Genitopatellar syndrome. Last evaluated: 2024-10-23. Review status: criteria provided, single submitter. Criteria: Invitae Variant Classification Sherloc (09022015). Collection method: clinical testing. Allele origin: germline.
Comment: This sequence change falls in intron 13 of the KAT6B gene. It does not directly change the encoded amino acid sequence of the KAT6B protein. This variant is present in population databases (rs745942441, gnomAD 0.02%). This variant has not been reported in the literature in individuals affected with KAT6B-related conditions. ClinVar contains an entry for this variant (Variation ID: 2059672). Algorithms developed to predict the effect of sequence changes on RNA splicing suggest that this variant may create or strengthen a splice site. In summary, the available evidence is currently insufficient to determine the role of this variant in disease. Therefore, it has been classified as a Variant of Uncertain Significance.